The following is an entry in ClinVar:

NM_000090.4(COL3A1):c.2688C>A (p.Ser896Arg)

Gene: COL3A1 (collagen type III alpha 1 chain; plus strand). Cytogenetic location: 2q32.2.
Variant type: single nucleotide variant.
Coding change: c.2688C>A on transcript NM_000090.4 (MANE Select); coding-DNA position 2688, C replaced by A.
Protein change: p.Ser896Arg; replaces serine 896 with arginine.
Molecular consequence: missense variant.
Genome position (GRCh38, 1-based): chr2:189,004,008, C>A. VCF-style: chr2-189004008-C-A. GRCh37 (hg19) VCF-style: chr2-189868734-C-A.
Other names: short protein forms S896R.
Identifiers: ClinVar variation 4750518 (VCV004750518.1).

ClinVar aggregate classification (germline): Uncertain significance (1 of 4 stars; one submission).

Conditions:
Ehlers-Danlos syndrome, type 4 (EDSVASC). Also called: Ehlers-Danlos syndrome vascular type; Ehlers Danlos syndrome, ecchymotic type; Ehlers Danlos syndrome, arterial type; Ehlers Danlos syndrome, Sack-Barabas type; Ehlers-Danlos Syndrome Type IV. Identifiers: Orphanet 286, MedGen C0268338, MONDO:0017314, OMIM 130050.

Submission:

Labcorp Genetics (formerly Invitae), Labcorp
Classification: Uncertain significance for Ehlers-Danlos syndrome, type 4. Last evaluated: 2025-02-10. Review status: criteria provided, single submitter. Criteria: Invitae Variant Classification Sherloc (09022015). Collection method: clinical testing. Allele origin: germline.
Comment: This sequence change replaces serine, which is neutral and polar, with arginine, which is basic and polar, at codon 896 of the COL3A1 protein (p.Ser896Arg). This variant is not present in population databases (gnomAD no frequency). This variant has not been reported in the literature in individuals affected with COL3A1-related conditions. Invitae Evidence Modeling of protein sequence and biophysical properties (such as structural, functional, and spatial information, amino acid conservation, physicochemical variation, residue mobility, and thermodynamic stability) indicates that this missense variant is not expected to disrupt COL3A1 protein function with a negative predictive value of 95%. In summary, the available evidence is currently insufficient to determine the role of this variant in disease. Therefore, it has been classified as a Variant of Uncertain Significance.